The following is an entry in ClinVar:

NM_005560.6(LAMA5):c.9943-7C>T

Gene: LAMA5 (laminin subunit alpha 5; minus strand). Cytogenetic location: 20q13.33.
Variant type: single nucleotide variant.
Coding change: c.9943-7C>T on transcript NM_005560.6 (MANE Select); 7 bases into the intron before coding-DNA position 9943, C replaced by T.
Molecular consequence: intron variant.
Genome position (GRCh38, 1-based): chr20:62,311,314, G>A on the plus strand (C>T on the coding strand, the complement: LAMA5 is on the minus strand). VCF-style: chr20-62311314-G-A. GRCh37 (hg19) VCF-style: chr20-60886370-G-A.
Other names: c.9943-7C>T (NM_005560.4).
Identifiers: ClinVar variation 2885171 (VCV002885171.5), dbSNP rs377517650, ClinGen allele CA9939989.

ClinVar aggregate classification (germline): Likely benign. Review status: criteria provided, single submitter (1 of 4 stars). 2 submissions from 2 submitters: Likely benign (1). 1 of the submissions does not count toward it. Last evaluated 2026-01-19.

Conditions:
LAMA5-related disorder. Also called: LAMA5-related condition; LAMA5-Related Disorders.

Allele frequency attached by ClinVar (database versions not stated): ExAC 0.00011; TOPMed 0.00013; ESP Exome Variant Server 0.00008; gnomAD exomes 0.00011; gnomAD 0.00007.
gnomAD v4.1: 158 of 1,559,754 alleles (0.01%); highest among the groups gnomAD compares: Admixed American, 0.046%; no homozygotes.

Submissions (2):

Labcorp Genetics (formerly Invitae), Labcorp
Classification: Likely benign. Last evaluated: 2026-01-19. Review status: criteria provided, single submitter. Criteria: Invitae Variant Classification Sherloc (09022015). Collection method: clinical testing. Allele origin: germline.

PreventionGenetics, part of Exact Sciences
Classification: Likely benign for LAMA5-related condition. Last evaluated: 2019-04-09. Review status: no assertion criteria provided. Collection method: clinical testing. Allele origin: germline. Not counted in ClinVar's aggregate classification.
Comment: This variant is classified as likely benign based on ACMG/AMP sequence variant interpretation guidelines (Richards et al. 2015 PMID: 25741868, with internal and published modifications).